The following is an entry in ClinVar:

ClinVar aggregate classification (germline): Uncertain significance (1 of 4 stars; one submission).

Submission:

GeneDx
Classification: Uncertain significance. Last evaluated: 2026-03-17. Review status: criteria provided, single submitter. Criteria: GeneDx Variant Classification Process June 2021. Collection method: clinical testing. Allele origin: germline.
Comment: Not observed at significant frequency in large population cohorts (gnomAD); In silico analysis supports that this missense variant has a deleterious effect on protein structure/function; Has not been previously published as pathogenic or benign to our knowledge; This substitution is predicted to be within the extracellular loop between the S5 and S6 transmembrane segments of the second homologous domain

NM_001040142.2(SCN2A):c.2845G>A (p.Asp949Asn)

Gene: SCN2A (sodium voltage-gated channel alpha subunit 2; plus strand). Cytogenetic location: 2q24.3.
Variant type: single nucleotide variant.
Coding change: c.2845G>A on transcript NM_001040142.2 (MANE Select); coding-DNA position 2845, G replaced by A.
Protein change: p.Asp949Asn; replaces aspartic acid 949 with asparagine.
Molecular consequence: missense variant.
Genome position (GRCh38, 1-based): chr2:165,344,837, G>A. VCF-style: chr2-165344837-G-A. GRCh37 (hg19) VCF-style: chr2-166201347-G-A.
Other names: c.2845G>A, p.Asp949Asn (NM_001040143.2, NM_001371246.1, NM_001371247.1 and 1 more transcripts); short protein forms D949N.
Identifiers: ClinVar variation 4976245 (VCV004976245.1).
Genomic context (GRCh38, chr2:165,344,837, plus strand): 5'-TTCCACTCCTTCCTGATCGTGTTCCGCGTGCTGTGTGGAGAGTGGATAGAGACCATGTGG[G>A]ACTGTATGGAGGTCGCTGGCCAAACCATGTGCCTTACTGTCTTCATGATGGTCATGGTGA-3'
Protein context (NP_001035232.1, residues 939-959): LCGEWIETMW[Asp949Asn]CMEVAGQTMC